The following is an entry in ClinVar:

ClinVar aggregate classification (germline): Uncertain significance (1 of 4 stars; one submission).

Conditions:
ISL1-related disorder. Also called: ISL1-related condition.

gnomAD v4.1: 5 of 1,613,928 alleles (0.00031%); highest among the groups gnomAD compares: South Asian, 0.0033%; no homozygotes.

Submission:

PreventionGenetics, part of Exact Sciences
Classification: Uncertain significance for ISL1-related condition. Last evaluated: 2026-08-13. Review status: criteria provided, single submitter. Criteria: ACMG Guidelines, 2015. Collection method: clinical testing. Allele origin: germline.
Comment: The ISL1 c.751C>A variant is predicted to result in the amino acid substitution p.Pro251Thr. To our knowledge, this variant has not been reported in the literature. This variant is reported in 0.0065% of alleles in individuals of South Asian descent in gnomAD. At this time, the clinical significance of this variant is uncertain due to the absence of conclusive functional and genetic evidence.

NM_002202.3(ISL1):c.751C>A (p.Pro251Thr)

Gene: ISL1 (ISL LIM homeobox 1; plus strand). Cytogenetic location: 5q11.1.
Variant type: single nucleotide variant.
Coding change: c.751C>A on transcript NM_002202.3 (MANE Select); coding-DNA position 751, C replaced by A.
Protein change: p.Pro251Thr; replaces proline 251 with threonine.
Molecular consequence: missense variant.
Genome position (GRCh38, 1-based): chr5:51,389,918, C>A. VCF-style: chr5-51389918-C-A. GRCh37 (hg19) VCF-style: chr5-50685752-C-A.
Other names: short protein forms P251T.
Identifiers: ClinVar variation 4989873 (VCV004989873.1).